The following is an entry in ClinVar:

NM_031418.4(ANO3):c.1756T>G (p.Phe586Val)

Gene: ANO3 (anoctamin 3; plus strand). Cytogenetic location: 11p14.2.
Variant type: single nucleotide variant.
Coding change: c.1756T>G on transcript NM_031418.4 (MANE Select); coding-DNA position 1756, T replaced by G.
Protein change: p.Phe586Val; replaces phenylalanine 586 with valine.
Molecular consequence: missense variant.
Genome position (GRCh38, 1-based): chr11:26,599,634, T>G. VCF-style: chr11-26599634-T-G. GRCh37 (hg19) VCF-style: chr11-26621181-T-G.
Other names: c.1939T>G, p.Phe647Val (NM_001313726.2); c.1318T>G, p.Phe440Val (NM_001313727.2); short protein forms F440V, F586V, F647V.
Identifiers: ClinVar variation 2877923 (VCV002877923.3), dbSNP rs1156447211, ClinGen allele CA379941694.

ClinVar aggregate classification (germline): Uncertain significance (1 of 4 stars; one submission).

Conditions:
Dystonic disorder. Also called: Dystonia. Identifiers: MedGen C0013421, MONDO:0003441, HP:0001332.

Allele frequency attached by ClinVar (database versions not stated): gnomAD exomes 0.00001.
gnomAD v4.1: 3 of 1,614,136 alleles (0.00019%); highest among the groups gnomAD compares: African/African-American, 0.004%; no homozygotes.

Submission:

Labcorp Genetics (formerly Invitae), Labcorp
Classification: Uncertain significance for Dystonic disorder. Last evaluated: 2023-12-20. Review status: criteria provided, single submitter. Criteria: Invitae Variant Classification Sherloc (09022015). Collection method: clinical testing. Allele origin: germline.
Comment: This sequence change replaces phenylalanine, which is neutral and non-polar, with valine, which is neutral and non-polar, at codon 586 of the ANO3 protein (p.Phe586Val). This variant is present in population databases (no rsID available, gnomAD 0.007%). This variant has not been reported in the literature in individuals affected with ANO3-related conditions. Advanced modeling of protein sequence and biophysical properties (such as structural, functional, and spatial information, amino acid conservation, physicochemical variation, residue mobility, and thermodynamic stability) performed at Invitae indicates that this missense variant is not expected to disrupt ANO3 protein function with a negative predictive value of 80%. In summary, the available evidence is currently insufficient to determine the role of this variant in disease. Therefore, it has been classified as a Variant of Uncertain Significance.